The following is an entry in ClinVar:

ClinVar aggregate classification (germline): Pathogenic (1 of 4 stars; one submission).

Submission:

GeneDx
Classification: Pathogenic. Last evaluated: 2026-01-21. Review status: criteria provided, single submitter. Criteria: GeneDx Variant Classification Process June 2021. Collection method: clinical testing. Allele origin: germline.
Comment: Frameshift variant predicted to result in protein truncation or nonsense mediated decay in a gene for which loss of function is a known mechanism of disease; Not observed at significant frequency in large population cohorts (gnomAD); Has not been previously published as pathogenic or benign to our knowledge

NM_001042492.3(NF1):c.3579del (p.Phe1193fs)

Gene: NF1 (neurofibromin 1; plus strand). Cytogenetic location: 17q11.2.
Variant type: Deletion.
Coding change: c.3579del on transcript NM_001042492.3 (MANE Select); coding-DNA position 3579, one base deleted (T; older notation c.3579delT).
Protein change: p.Phe1193fs; shifts the reading frame from phenylalanine 1193.
Molecular consequence: frameshift variant.
Genome position (GRCh38, 1-based): chr17:31,233,084, T deleted; the last of 3 consecutive T bases (chr17:31,233,082-31,233,084); deleting any one gives the same sequence. VCF-style (leftmost placement, unchanged base first): chr17-31233081-AT-A. GRCh37 (hg19) VCF-style: chr17-29560099-AT-A.
Other names: c.3579delT, p.Phe1193Leufs (NM_000267.3); c.3579del, p.Phe1193fs (NM_000267.4); short protein forms F1193fs.
Identifiers: ClinVar variation 4891370 (VCV004891370.1).